The following is an entry in ClinVar:

ClinVar aggregate classification (germline): Likely benign (0 of 4 stars; one submission).

Conditions:
CHD3-related disorder. Also called: CHD3-related condition.

Allele frequency attached by ClinVar (database versions not stated): ESP Exome Variant Server 0.00008; ExAC 0.00001; TOPMed 0.00004; gnomAD 0.00005; gnomAD exomes 0.00005.
gnomAD v4.1: 84 of 1,614,022 alleles (0.0052%); highest among the groups gnomAD compares: Non-Finnish European, 0.0067%; no homozygotes.

Submission:

PreventionGenetics, part of Exact Sciences
Classification: Likely benign for CHD3-related condition. Last evaluated: 2021-01-14. Review status: no assertion criteria provided. Collection method: clinical testing. Allele origin: germline.
Comment: This variant is classified as likely benign based on ACMG/AMP sequence variant interpretation guidelines (Richards et al. 2015 PMID: 25741868, with internal and published modifications).

NM_001005273.3(CHD3):c.4667-7C>T

Gene: CHD3 (chromodomain helicase DNA binding protein 3; plus strand). Cytogenetic location: 17p13.1.
Variant type: single nucleotide variant.
Coding change: c.4667-7C>T on transcript NM_001005273.3 (MANE Select); 7 bases into the intron before coding-DNA position 4667, C replaced by T.
Molecular consequence: intron variant.
Genome position (GRCh38, 1-based): chr17:7,907,119, C>T. VCF-style: chr17-7907119-C-T. GRCh37 (hg19) VCF-style: chr17-7810437-C-T.
Other names: c.4844-7C>T (NM_001005271.3); c.4667-7C>T (NM_005852.4).
Identifiers: ClinVar variation 3037059 (VCV003037059.2), dbSNP rs373721338, ClinGen allele CA8363440.
Genomic context (GRCh38, chr17:7,907,119, plus strand): 5'-GACAGAAAGGGAGCCAGGAGTCAGGGCGGGAGAATCTCTGTCTTTATCACTGTGCCTTCC[C>T]CTGCAGCTACTCCAGCTCCAAGTGAGAAAGGAGAAGGCATAAGGACACCTCTTGAGAAGG-3'